The following is an entry in ClinVar:

ClinVar aggregate classification (germline): Uncertain significance (1 of 4 stars; one submission).

Conditions:
Joubert syndrome. Also called: JOUBERT-BOLTSHAUSER SYNDROME; Familial aplasia of the vermis. Identifiers: Orphanet 475, MedGen C5979921, MONDO:0018772.
Meckel-Gruber syndrome. Also called: DYSENCEPHALIA SPLANCHNOCYSTICA; GRUBER SYNDROME; Dysencephalia splachnocystica. Identifiers: Orphanet 564, MedGen C0265215, MONDO:0018921.

Submission:

Labcorp Genetics (formerly Invitae), Labcorp
Classification: Uncertain significance for Joubert syndrome; Meckel-Gruber syndrome. Last evaluated: 2021-10-23. Review status: criteria provided, single submitter. Criteria: Invitae Variant Classification Sherloc (09022015). Collection method: clinical testing. Allele origin: germline.
Comment: This variant has not been reported in the literature in individuals affected with CC2D2A-related conditions. This sequence change replaces isoleucine with threonine at codon 1207 of the CC2D2A protein (p.Ile1207Thr). The isoleucine residue is moderately conserved and there is a moderate physicochemical difference between isoleucine and threonine. This variant is not present in population databases (ExAC no frequency). Algorithms developed to predict the effect of missense changes on protein structure and function output the following: SIFT: "Tolerated"; PolyPhen-2: "Benign"; Align-GVGD: "Class C0". The threonine amino acid residue is found in multiple mammalian species, which suggests that this missense change does not adversely affect protein function. In summary, the available evidence is currently insufficient to determine the role of this variant in disease. Therefore, it has been classified as a Variant of Uncertain Significance.

NM_001378615.1(CC2D2A):c.3620T>C (p.Ile1207Thr)

Genes: CC2D2A (coiled-coil and C2 domain containing 2A; plus strand), FBXL5 (F-box and leucine rich repeat protein 5; minus strand). Cytogenetic location: 4p15.32.
Variant type: single nucleotide variant.
Coding change: c.3620T>C on transcript NM_001378615.1 (MANE Select); coding-DNA position 3620, T replaced by C.
Protein change: p.Ile1207Thr; replaces isoleucine 1207 with threonine.
Molecular consequence: missense variant.
Genome position (GRCh38, 1-based): chr4:15,574,175, T>C. VCF-style: chr4-15574175-T-C. GRCh37 (hg19) VCF-style: chr4-15575798-T-C.
Other names: c.3620T>C, p.Ile1207Thr (NM_001080522.2); c.3473T>C, p.Ile1158Thr (NM_001378617.1); short protein forms I1158T, I1207T.
Identifiers: ClinVar variation 1393933 (VCV001393933.6), dbSNP rs2109077863, ClinGen allele CA356423637.
Genomic context (GRCh38, chr4:15,574,175, plus strand): 5'-ATCAGGATGTTTACCAAGTCATATTTTCTTCACAGATTGATGGAACATTTAAAATAGATA[T>C]TCCCCCAGTTCTTCTGGGCTACAGTAAGGAGCGAAATATGATTCTTGAGCGGGGTTTTGA-3'
Protein context (NP_001365544.1, residues 1197-1217): ARIDGTFKID[Ile1207Thr]PPVLLGYSKE